The following is an entry in ClinVar:

NM_000260.4(MYO7A):c.1672G>A (p.Val558Ile)

Gene: MYO7A (myosin VIIA; plus strand). Cytogenetic location: 11q13.5.
Variant type: single nucleotide variant.
Coding change: c.1672G>A on transcript NM_000260.4 (MANE Select); coding-DNA position 1672, G replaced by A.
Protein change: p.Val558Ile; replaces valine 558 with isoleucine.
Molecular consequence: missense variant.
Genome position (GRCh38, 1-based): chr11:77,162,970, G>A. VCF-style: chr11-77162970-G-A. GRCh37 (hg19) VCF-style: chr11-76874016-G-A.
Other names: c.1672G>A (NM_000260.3); c.1672G>A, p.Val558Ile (NM_001127180.2); c.1639G>A, p.Val547Ile (NM_001369365.1); short protein forms V547I, V558I.
Identifiers: ClinVar variation 2142874 (VCV002142874.8), dbSNP rs782101820, ClinGen allele CA6197550.

ClinVar aggregate classification (germline): Uncertain significance. Review status: criteria provided, multiple submitters, no conflicts (2 of 4 stars). 5 submissions from 5 submitters: Uncertain significance (5). Last evaluated 2026-02-13.

Conditions:
MYO7A-related disorder. Also called: MYO7A-related disorders.
Inborn genetic diseases. Identifiers: MedGen C0950123, MeSH D030342.

Allele frequency attached by ClinVar (database versions not stated): gnomAD 0.00002; gnomAD exomes 0.00002; ExAC 0.00004; TOPMed 0.00005.
gnomAD v4.1: 34 of 1,613,700 alleles (0.0021%); highest among the groups gnomAD compares: Admixed American, 0.005%; no homozygotes.

Submissions (5):

GeneDx
Classification: Uncertain significance. Last evaluated: 2026-02-13. Review status: criteria provided, single submitter. Criteria: GeneDx Variant Classification Process June 2021. Collection method: clinical testing. Allele origin: germline.
Comment: In silico analysis suggests that this missense variant does not alter protein structure/function; Has not been previously published as pathogenic or benign to our knowledge

PreventionGenetics, part of Exact Sciences
Classification: Uncertain significance for MYO7A-related condition. Last evaluated: 2025-12-22. Review status: criteria provided, single submitter. Criteria: ACMG Guidelines, 2015. Collection method: clinical testing. Allele origin: germline.
Comment: The MYO7A c.1672G>A variant is predicted to result in the amino acid substitution p.Val558Ile. To our knowledge, this variant has not been reported in the literature. This variant is reported in 0.014% of alleles in individuals of Latino descent in gnomAD. At this time, the clinical significance of this variant is uncertain due to the absence of conclusive functional and genetic evidence.

Ambry Genetics
Classification: Uncertain significance for Inborn genetic diseases. Last evaluated: 2025-10-24. Review status: criteria provided, single submitter. Criteria: Ambry Variant Classification Scheme 2023. Collection method: clinical testing. Allele origin: germline.

Labcorp Genetics (formerly Invitae), Labcorp
Classification: Uncertain significance. Last evaluated: 2025-02-11. Review status: criteria provided, single submitter. Criteria: Invitae Variant Classification Sherloc (09022015). Collection method: clinical testing. Allele origin: germline.
Comment: This sequence change replaces valine, which is neutral and non-polar, with isoleucine, which is neutral and non-polar, at codon 558 of the MYO7A protein (p.Val558Ile). The frequency data for this variant in the population databases is considered unreliable, as metrics indicate poor data quality at this position in the gnomAD database. This variant has not been reported in the literature in individuals affected with MYO7A-related conditions. ClinVar contains an entry for this variant (Variation ID: 2142874). Invitae Evidence Modeling of protein sequence and biophysical properties (such as structural, functional, and spatial information, amino acid conservation, physicochemical variation, residue mobility, and thermodynamic stability) has been performed for this missense variant. However, the output from this modeling did not meet the statistical confidence thresholds required to predict the impact of this variant on MYO7A protein function. In summary, the available evidence is currently insufficient to determine the role of this variant in disease. Therefore, it has been classified as a Variant of Uncertain Significance.

Blueprint Genetics
Classification: Uncertain significance. Last evaluated: 2021-10-12. Review status: criteria provided, single submitter. Criteria: ACMG Guidelines, 2015. Collection method: clinical testing. Allele origin: germline.